The following is an entry in ClinVar:

ClinVar aggregate classification (germline): Uncertain significance. Review status: criteria provided, multiple submitters, no conflicts (2 of 4 stars). 5 submissions from 5 submitters: Uncertain significance (5). Last evaluated 2026-02-15.

Conditions:
Autosomal recessive limb-girdle muscular dystrophy type 2Q (LGMDR17). Also called: MUSCULAR DYSTROPHY, LIMB-GIRDLE, AUTOSOMAL RECESSIVE 17. Identifiers: Orphanet 254361, MedGen C3150989, MONDO:0013390, OMIM 613723.
Epidermolysis bullosa simplex, Ogna type (EBS5A). Also called: Pidermolysis bullosa simplex 5A, Ogna type; EPIDERMOLYSIS BULLOSA SIMPLEX 5A, OGNA TYPE. Identifiers: Orphanet 79401, MedGen C0432317, MONDO:0007555, OMIM 131950.
Epidermolysis bullosa simplex 5B, with muscular dystrophy (EBS5B). Also called: Epidermolysis bullosa simplex with muscular dystrophy; EPIDERMOLYSIS BULLOSA SIMPLEX AND LIMB-GIRDLE MUSCULAR DYSTROPHY. Identifiers: Orphanet 257, MedGen C2931072, MONDO:0009181, OMIM 226670.
Epidermolysis bullosa simplex with nail dystrophy (EBS5D). Identifiers: MedGen C4225309, MONDO:0014661, OMIM 616487.
Epidermolysis bullosa simplex 5C, with pyloric atresia (EBS5C). Also called: PLEC1-Related Epidermolysis Bullosa with Pyloric Atresia; PLEC-Related Epidermolysis Bullosa with Pyloric Atresia; Epidermolysis bullosa simplex with pyloric atresia. Identifiers: Orphanet 158684, MedGen C2677349, MONDO:0012807, OMIM 612138.
PLEC-related disorder. Also called: PLEC-related disorders; PLEC-related condition.
Inborn genetic diseases. Identifiers: MedGen C0950123, MeSH D030342.

Allele frequency attached by ClinVar (database versions not stated): ExAC below 0.00001; gnomAD exomes 0.00003 and 0.00004; TOPMed 0.00011; gnomAD 0.00013; 1000 Genomes Project 0.00040; 1000 Genomes Project 30x 0.00047.
gnomAD v4.1: 79 of 1,546,520 alleles (0.0051%); highest among the groups gnomAD compares: African/African-American, 0.021%; no homozygotes.

Submissions (5):

PreventionGenetics, part of Exact Sciences
Classification: Uncertain significance for PLEC-related condition. Last evaluated: 2026-02-15. Review status: criteria provided, single submitter. Criteria: ACMG Guidelines, 2015. Collection method: clinical testing. Allele origin: germline.
Comment: The PLEC c.13679C>T variant is predicted to result in the amino acid substitution p.Ser4560Leu. To our knowledge, this variant has not been reported in the literature. This variant is reported in 0.020% of alleles in individuals of African descent in gnomAD. At this time, the clinical significance of this variant is uncertain due to the absence of conclusive functional and genetic evidence.

Labcorp Genetics (formerly Invitae), Labcorp
Classification: Uncertain significance for Autosomal recessive limb-girdle muscular dystrophy type 2Q; Epidermolysis bullosa simplex, Ogna type; Epidermolysis bullosa simplex with nail dystrophy; Epidermolysis bullosa simplex 5C, with pyloric atresia; Epidermolysis bullosa simplex 5B, with muscular dystrophy. Last evaluated: 2025-09-05. Review status: criteria provided, single submitter. Criteria: Invitae Variant Classification Sherloc (09022015). Collection method: clinical testing. Allele origin: germline.
Comment: This sequence change replaces serine, which is neutral and polar, with leucine, which is neutral and non-polar, at codon 4560 of the PLEC protein (p.Ser4560Leu). This variant is present in population databases (rs574054664, gnomAD 0.02%). This variant has not been reported in the literature in individuals affected with PLEC-related conditions. ClinVar contains an entry for this variant (Variation ID: 941651). Invitae Evidence Modeling of protein sequence and biophysical properties (such as structural, functional, and spatial information, amino acid conservation, physicochemical variation, residue mobility, and thermodynamic stability) indicates that this missense variant is not expected to disrupt PLEC protein function with a negative predictive value of 80%. In summary, the available evidence is currently insufficient to determine the role of this variant in disease. Therefore, it has been classified as a Variant of Uncertain Significance.

Ambry Genetics
Classification: Uncertain significance for Inborn genetic diseases. Last evaluated: 2025-04-03. Review status: criteria provided, single submitter. Criteria: Ambry Variant Classification Scheme 2023. Collection method: clinical testing. Allele origin: germline.

Revvity Omics, Revvity
Classification: Uncertain significance. Last evaluated: 2024-05-13. Review status: criteria provided, single submitter. Criteria: ACMG Guidelines, 2015. Collection method: clinical testing. Allele origin: germline.

Athena Diagnostics
Classification: Uncertain significance. Last evaluated: 2020-09-17. Review status: criteria provided, single submitter. Criteria: Athena Diagnostics criteria. Collection method: clinical testing. Allele origin: unknown.

NM_201384.3(PLEC):c.13598C>T (p.Ser4533Leu)

Gene: PLEC (plectin; minus strand). Cytogenetic location: 8q24.3.
Variant type: single nucleotide variant.
Coding change: c.13598C>T on transcript NM_201384.3 (MANE Select); coding-DNA position 13598, C replaced by T.
Protein change: p.Ser4533Leu; replaces serine 4533 with leucine.
Molecular consequence: missense variant.
Genome position (GRCh38, 1-based): chr8:143,916,223, G>A on the plus strand (C>T on the coding strand, the complement: PLEC is on the minus strand). VCF-style: chr8-143916223-G-A. GRCh37 (hg19) VCF-style: chr8-144990391-G-A.
Other names: c.13679C>T, p.Ser4560Leu (NM_000445.5); c.13556C>T, p.Ser4519Leu (NM_201378.4); c.13532C>T, p.Ser4511Leu (NM_201379.3); c.14009C>T, p.Ser4670Leu (NM_201380.4); c.13502C>T, p.Ser4501Leu (NM_201381.3); c.13598C>T, p.Ser4533Leu (NM_201382.4); c.13610C>T, p.Ser4537Leu (NM_201383.3); short protein forms S4670L, S4533L, S4537L, S4511L, S4519L, S4501L, S4560L.
Identifiers: ClinVar variation 941651 (VCV000941651.13), dbSNP rs574054664, ClinGen allele CA4923749.